The following is an entry in ClinVar:

NM_024422.6(DSC2):c.69G>T (p.Ala23=)

Genes: DSC2 (desmocollin 2; minus strand), DSCAS (DSC1/DSC2 antisense RNA; plus strand). Cytogenetic location: 18q12.1.
Variant type: single nucleotide variant.
Coding change: c.69G>T on transcript NM_024422.6 (MANE Select); coding-DNA position 69, G replaced by T.
Protein change: p.Ala23=; no amino-acid change (alanine 23 retained).
Molecular consequence: synonymous variant.
Genome position (GRCh38, 1-based): chr18:31,101,903, C>A on the plus strand (G>T on the coding strand, the complement: DSC2 is on the minus strand). VCF-style: chr18-31101903-C-A. GRCh37 (hg19) VCF-style: chr18-28681866-C-A.
Other names: c.69G>T, p.Ala23= (NM_004949.5).
Identifiers: ClinVar variation 2775199 (VCV002775199.2), dbSNP rs1987974228, ClinGen allele CA503391541.

ClinVar aggregate classification (germline): Uncertain significance (1 of 4 stars; one submission).

Conditions:
Cardiomyopathy (CMYO). Also called: Cardiomyopathies. Identifiers: Orphanet 167848, MedGen C0878544, MONDO:0004994, HP:0001638. Inheritance: Various modes of inheritance.

Submission:

Color Diagnostics, LLC DBA Color Health
Classification: Uncertain significance for Cardiomyopathy. Last evaluated: 2022-10-11. Review status: criteria provided, single submitter. Criteria: ACMG Guidelines, 2015. Collection method: clinical testing. Allele origin: germline.
Comment: This synonymous variant does not change the amino acid sequence of the DSC2 protein. Computational splicing tools are inconclusive regarding the impact of this variant on RNA splicing. To our knowledge, functional studies have not been reported for this variant. This variant has not been reported in individuals affected with cardiovascular disorders in the literature. This variant has not been identified in the general population by the Genome Aggregation Database (gnomAD). The available evidence is insufficient to determine the role of this variant in disease conclusively. Therefore, this variant is classified as a Variant of Uncertain Significance.